The following is an entry in ClinVar:

NM_001267550.2(TTN):c.94883del (p.Arg31628fs)

Genes: TTN-AS1 (TTN antisense RNA 1; plus strand), TTN (titin; minus strand). Cytogenetic location: 2q31.2.
Variant type: Deletion.
Coding change: c.94883del on transcript NM_001267550.2 (MANE Select); coding-DNA position 94883, one base deleted (G; older notation c.94883delG).
Protein change: p.Arg31628fs; shifts the reading frame from arginine 31628.
Molecular consequence: frameshift variant.
Genome position (GRCh38, 1-based): chr2:178,546,448, C deleted on the plus strand (G on the coding strand, the reverse complement: TTN is on the minus strand). VCF-style (leftmost placement, unchanged base first): chr2-178546447-TC-T. GRCh37 (hg19) VCF-style: chr2-179411174-TC-T.
Other names: c.89960del, p.Arg29987fs (NM_001256850.1); c.67688del, p.Arg22563fs (NM_003319.4); c.87179del, p.Arg29060fs (NM_133378.4); c.68063del, p.Arg22688fs (NM_133432.3); c.68264del, p.Arg22755fs (NM_133437.4); short protein forms R22688fs, R29060fs, R22563fs, R22755fs, R29987fs, R31628fs.
Identifiers: ClinVar variation 4784064 (VCV004784064.1).
Genomic context (GRCh38, chr2:178,546,447, plus strand): 5'-GATAATTTTGGGTTCAGGTTTGCCACCAACTGCAGCATCCAGAACAAGATCAGAACCTGC[TC>T]TGATGGTAACCAGATCACCGTGTAATCGGGCATCCAGTTCGGCTTTGGGTGGAGCTGTCA-3'

ClinVar aggregate classification (germline): Likely pathogenic (1 of 4 stars; one submission).

Conditions:
Dilated cardiomyopathy 1G (CMD1G). Identifiers: Orphanet 154, MedGen C1858763, MONDO:0011400, OMIM 604145.
Autosomal recessive limb-girdle muscular dystrophy type 2J (LGMDR10). Also called: Limb-girdle muscular dystrophy, type 2J; MUSCULAR DYSTROPHY, LIMB-GIRDLE, AUTOSOMAL RECESSIVE 10. Identifiers: Orphanet 140922, MedGen C1837342, MONDO:0012127, OMIM 608807.

Submission:

Labcorp Genetics (formerly Invitae), Labcorp
Classification: Likely pathogenic for Dilated cardiomyopathy 1G; Autosomal recessive limb-girdle muscular dystrophy type 2J. Last evaluated: 2025-02-04. Review status: criteria provided, single submitter. Criteria: Invitae Variant Classification Sherloc (09022015). Collection method: clinical testing. Allele origin: germline.
Comment: This sequence change creates a premature translational stop signal (p.Arg31628Lysfs*29) in the TTN gene. While this is not anticipated to result in nonsense mediated decay, it is expected to create a truncated TTN protein. This variant is not present in population databases (gnomAD no frequency). This variant has not been reported in the literature in individuals affected with TTN-related conditions. This variant is located in the A band of TTN (PMID: 25589632). Truncating variants in this region are significantly overrepresented in patients affected with dilated cardiomyopathy (PMID: 25589632). Truncating variants in this region have also been reported in individuals affected with autosomal recessive centronuclear myopathy (PMID: 23975875). In summary, the currently available evidence indicates that the variant is pathogenic, but additional data are needed to prove that conclusively. Therefore, this variant has been classified as Likely Pathogenic.

Literature cited by the submitters: PubMed 25589632; PubMed 23975875.